The following is an entry in ClinVar:

NM_170699.3(GPBAR1):c.202T>C (p.Leu68=)

Gene: GPBAR1 (G protein-coupled bile acid receptor 1; plus strand). Cytogenetic location: 2q35.
Variant type: single nucleotide variant.
Coding change: c.202T>C on transcript NM_170699.3 (MANE Select); coding-DNA position 202, T replaced by C.
Protein change: p.Leu68=; no amino-acid change (leucine 68 retained).
Molecular consequence: synonymous variant.
Genome position (GRCh38, 1-based): chr2:218,262,926, T>C. VCF-style: chr2-218262926-T-C. GRCh37 (hg19) VCF-style: chr2-219127649-T-C.
Other names: c.202T>C, p.Leu68= (NM_001077191.2, NM_001077194.2, NM_001321950.2).
Identifiers: ClinVar variation 3055018 (VCV003055018.2), dbSNP rs764902875, ClinGen allele CA2102532.

ClinVar aggregate classification (germline): Likely benign (0 of 4 stars; one submission).

Conditions:
GPBAR1-related disorder. Also called: GPBAR1-related condition.

Allele frequency attached by ClinVar (database versions not stated): TOPMed below 0.00001; ExAC 0.00002; gnomAD 0.00002.
gnomAD v4.1: 5 of 1,613,742 alleles (0.00031%); highest among the groups gnomAD compares: African/African-American, 0.004%; no homozygotes.

Submission:

PreventionGenetics, part of Exact Sciences
Classification: Likely benign for GPBAR1-related condition. Last evaluated: 2022-11-29. Review status: no assertion criteria provided. Collection method: clinical testing. Allele origin: germline.
Comment: This variant is classified as likely benign based on ACMG/AMP sequence variant interpretation guidelines (Richards et al. 2015 PMID: 25741868, with internal and published modifications).